The following is an entry in ClinVar:

NM_018489.3(ASH1L):c.8306G>A (p.Gly2769Glu)

Gene: ASH1L (ASH1 like histone lysine methyltransferase; minus strand). Cytogenetic location: 1q22.
Variant type: single nucleotide variant.
Coding change: c.8306G>A on transcript NM_018489.3 (MANE Select); coding-DNA position 8306, G replaced by A.
Protein change: p.Gly2769Glu; replaces glycine 2769 with glutamic acid.
Molecular consequence: missense variant.
Genome position (GRCh38, 1-based): chr1:155,342,090, C>T on the plus strand (G>A on the coding strand, the complement: ASH1L is on the minus strand). VCF-style: chr1-155342090-C-T. GRCh37 (hg19) VCF-style: chr1-155311881-C-T.
Other names: c.8321G>A, p.Gly2774Glu (NM_001366177.2); short protein forms G2769E, G2774E.
Identifiers: ClinVar variation 4891263 (VCV004891263.1).

ClinVar aggregate classification (germline): Uncertain significance (1 of 4 stars; one submission).

Conditions:
Intellectual developmental disorder, autosomal dominant 52. Also called: Intellectual disability, autosomal dominant 52; Mental retardation, autosomal dominant 52. Identifiers: MedGen C4540478, MONDO:0030918, OMIM 617796.

Submission:

Clinical Genetics Laboratory, University Hospital Schleswig-Holstein
Classification: Uncertain significance for Intellectual developmental disorder, autosomal dominant 52. Last evaluated: 2025-10-30. Review status: criteria provided, single submitter. Criteria: ACMG Guidelines, 2015. Collection method: clinical testing. Allele origin: germline. Affected: yes. Observed: 1 heterozygote.
Comment: ACMG criteria applied: PM2, PP3, PP2